The following is an entry in ClinVar:

NM_002386.4(MC1R):c.176T>C (p.Val59Ala)

Gene: MC1R (melanocortin 1 receptor; plus strand). Cytogenetic location: 16q24.3.
Variant type: single nucleotide variant.
Coding change: c.176T>C on transcript NM_002386.4 (MANE Select); coding-DNA position 176, T replaced by C.
Protein change: p.Val59Ala; replaces valine 59 with alanine.
Molecular consequence: missense variant.
Genome position (GRCh38, 1-based): chr16:89,919,434, T>C. VCF-style: chr16-89919434-T-C. GRCh37 (hg19) VCF-style: chr16-89985842-T-C.
Other names: short protein forms V59A.
Identifiers: ClinVar variation 3871082 (VCV003871082.1).

ClinVar aggregate classification (germline): Uncertain significance. Review status: criteria provided, multiple submitters, no conflicts (2 of 4 stars). 2 submissions from 2 submitters: Uncertain significance (2). Last evaluated 2025-01-05.

Conditions:
Tyrosinase-positive oculocutaneous albinism (OCA2). Also called: ALBINISM II; Albinism, oculocutaneous, type II; Oculocutaneous albinism type 2. Identifiers: Orphanet 79432, MedGen C0268495, MONDO:0008746, OMIM 203200.

Submissions (2):

Ambry Genetics
Classification: Uncertain significance. Last evaluated: 2025-01-05. Review status: criteria provided, single submitter. Criteria: Ambry Variant Classification Scheme 2023. Collection method: clinical testing. Allele origin: germline.
Comment: The p.V59A variant (also known as c.176T>C), located in coding exon 1 of the MC1R gene, results from a T to C substitution at nucleotide position 176. The valine at codon 59 is replaced by alanine, an amino acid with similar properties. This amino acid position is conserved. In addition, this alteration is predicted to be deleterious by in silico analysis. Based on the available evidence, the clinical significance of this variant remains unclear.

Department of Pathology and Laboratory Medicine, Sinai Health System
Classification: Uncertain significance for Tyrosinase-positive oculocutaneous albinism. Last evaluated: 2021-07-30. Review status: criteria provided, single submitter. Criteria: ACMG Guidelines, 2015. Collection method: research. Allele origin: germline.